The following is an entry in ClinVar:

ClinVar aggregate classification (germline): Uncertain significance. Review status: criteria provided, multiple submitters, no conflicts (2 of 4 stars). 2 submissions from 2 submitters: Uncertain significance (2). Last evaluated 2025-11-24.

Conditions:
Hereditary cancer-predisposing syndrome. Also called: Neoplastic Syndromes, Hereditary; Hereditary Cancer Syndrome; Tumor predisposition; Hereditary neoplastic syndrome. Identifiers: Orphanet 140162, MedGen C0027672, MeSH D009386, MONDO:0015356.

Submissions (2):

Ambry Genetics
Classification: Uncertain significance for Hereditary cancer-predisposing syndrome. Last evaluated: 2025-11-24. Review status: criteria provided, single submitter. Criteria: Ambry Variant Classification Scheme 2023. Collection method: clinical testing. Allele origin: germline.
Comment: The p.S1090L variant (also known as c.3269C>T), located in coding exon 23 of the MSH3 gene, results from a C to T substitution at nucleotide position 3269. The serine at codon 1090 is replaced by leucine, an amino acid with dissimilar properties. This amino acid position is conserved. In addition, the in silico prediction for this alteration is inconclusive. Since supporting evidence is limited at this time, the clinical significance of this alteration remains unclear.

Labcorp Genetics (formerly Invitae), Labcorp
Classification: Uncertain significance. Last evaluated: 2021-07-04. Review status: criteria provided, single submitter. Criteria: Invitae Variant Classification Sherloc (09022015). Collection method: clinical testing. Allele origin: germline.
Comment: This variant has not been reported in the literature in individuals with MSH3-related conditions. This variant is not present in population databases (ExAC no frequency). This sequence change replaces serine with leucine at codon 1090 of the MSH3 protein (p.Ser1090Leu). The serine residue is moderately conserved and there is a large physicochemical difference between serine and leucine. Algorithms developed to predict the effect of missense changes on protein structure and function are either unavailable or do not agree on the potential impact of this missense change (SIFT: "Deleterious"; PolyPhen-2: "Probably Damaging"; Align-GVGD: "Class C0"). In summary, the available evidence is currently insufficient to determine the role of this variant in disease. Therefore, it has been classified as a Variant of Uncertain Significance.

NM_002439.5(MSH3):c.3269C>T (p.Ser1090Leu)

Gene: MSH3 (mutS homolog 3; plus strand). Cytogenetic location: 5q14.1.
Variant type: single nucleotide variant.
Coding change: c.3269C>T on transcript NM_002439.5 (MANE Select); coding-DNA position 3269, C replaced by T.
Protein change: p.Ser1090Leu; replaces serine 1090 with leucine.
Molecular consequence: missense variant.
Genome position (GRCh38, 1-based): chr5:80,873,254, C>T. VCF-style: chr5-80873254-C-T. GRCh37 (hg19) VCF-style: chr5-80169073-C-T.
Other names: short protein forms S1090L.
Identifiers: ClinVar variation 1474101 (VCV001474101.11), dbSNP rs2112128917, ClinGen allele CA360347073.